The following is an entry in ClinVar:

NM_021072.4(HCN1):c.279C>T (p.Phe93=)

Gene: HCN1 (hyperpolarization activated cyclic nucleotide gated potassium channel 1; minus strand). Cytogenetic location: 5p12.
Variant type: single nucleotide variant.
Coding change: c.279C>T on transcript NM_021072.4 (MANE Select); coding-DNA position 279, C replaced by T.
Protein change: p.Phe93=; no amino-acid change (phenylalanine 93 retained).
Molecular consequence: synonymous variant.
Genome position (GRCh38, 1-based): chr5:45,695,815, G>A on the plus strand (C>T on the coding strand, the complement: HCN1 is on the minus strand). VCF-style: chr5-45695815-G-A. GRCh37 (hg19) VCF-style: chr5-45695917-G-A.
Identifiers: ClinVar variation 1138371 (VCV001138371.10), dbSNP rs2112108977, ClinGen allele CA444402081.

ClinVar aggregate classification (germline): Conflicting classifications of pathogenicity. Review status: criteria provided, conflicting classifications (1 of 4 stars). 2 submissions from 2 submitters: Uncertain significance (1); Likely benign (1). Last evaluated 2023-12-19.

Conditions:
Early-infantile DEE. Also called: Early infantile epileptic encephalopathy; Ohtahara syndrome; Early infantile epileptic encephalopathy with suppression bursts. Identifiers: Orphanet 1934, MedGen C0393706, MONDO:0800491.

Submissions (2):

Labcorp Genetics (formerly Invitae), Labcorp
Classification: Likely benign for Early-infantile DEE. Last evaluated: 2023-12-19. Review status: criteria provided, single submitter. Criteria: Invitae Variant Classification Sherloc (09022015). Collection method: clinical testing. Allele origin: germline.

Greenwood Genetic Center Diagnostic Laboratories, Greenwood Genetic Center
Classification: Uncertain significance. Last evaluated: 2023-07-17. Review status: criteria provided, single submitter. Criteria: ACMG Guidelines, 2015. Collection method: clinical testing. Allele origin: germline. Affected: yes.
Comment: PM2